The following is an entry in ClinVar:

ClinVar aggregate classification (germline): Uncertain significance (1 of 4 stars; one submission).

Conditions:
Marfan syndrome (MFS). Also called: Marfan syndrome type 1; Marfan's syndrome; FBN1-Related Marfan Syndrome; MARFAN SYNDROME, TYPE I; Marfan syndrome, classic. Identifiers: Orphanet 284963, Orphanet 558, MedGen C0024796, MONDO:0007947, OMIM 154700.
Familial thoracic aortic aneurysm and aortic dissection (TAAD). Also called: Thoracic aortic aneurysms and dissections. Identifiers: Orphanet 91387, MedGen C4707243, MONDO:0019625.

Submission:

Labcorp Genetics (formerly Invitae), Labcorp
Classification: Uncertain significance for Marfan syndrome; Familial thoracic aortic aneurysm and aortic dissection. Last evaluated: 2021-11-09. Review status: criteria provided, single submitter. Criteria: Invitae Variant Classification Sherloc (09022015). Collection method: clinical testing. Allele origin: germline.
Comment: In summary, the available evidence is currently insufficient to determine the role of this variant in disease. Therefore, it has been classified as a Variant of Uncertain Significance. Advanced modeling of protein sequence and biophysical properties (such as structural, functional, and spatial information, amino acid conservation, physicochemical variation, residue mobility, and thermodynamic stability) performed at Invitae indicates that this missense variant is expected to disrupt FBN1 protein function. This missense change has been observed in individual(s) with clinical features of Marfan syndrome (Invitae). This variant is not present in population databases (gnomAD no frequency). This sequence change replaces serine, which is neutral and polar, with isoleucine, which is neutral and non-polar, at codon 2465 of the FBN1 protein (p.Ser2465Ile).

NM_000138.5(FBN1):c.7394G>T (p.Ser2465Ile)

Gene: FBN1 (fibrillin 1; minus strand). Cytogenetic location: 15q21.1.
Variant type: single nucleotide variant.
Coding change: c.7394G>T on transcript NM_000138.5 (MANE Select); coding-DNA position 7394, G replaced by T.
Protein change: p.Ser2465Ile; replaces serine 2465 with isoleucine.
Molecular consequence: missense variant.
Genome position (GRCh38, 1-based): chr15:48,425,428, C>A on the plus strand (G>T on the coding strand, the complement: FBN1 is on the minus strand). VCF-style: chr15-48425428-C-A. GRCh37 (hg19) VCF-style: chr15-48717625-C-A.
Other names: short protein forms S2465I.
Identifiers: ClinVar variation 1392263 (VCV001392263.6), dbSNP rs2141226387, ClinGen allele CA392327820.
Genomic context (GRCh38, chr15:48,425,428, plus strand): 5'-CCTTTGCAGCTCCTTCCATCCTCTTGCAGAATGTAGCCTTTCGGGCATGAACACTGGTAA[C>A]TCCCTTCTGTGTTTTTGCAGATAAAATTGCAGGGTTTGGGAGCCTGGTTGCACTCGTTCA-3'
Protein context (NP_000129.3, residues 2455-2475): CNFICKNTEG[Ser2465Ile]YQCSCPKGYI